The following is an entry in ClinVar:

NM_003919.3(SGCE):c.812G>T (p.Cys271Phe)

Genes: SGCE (sarcoglycan epsilon; minus strand), CASD1 (CAS1 domain containing 1; plus strand). Cytogenetic location: 7q21.3.
Variant type: single nucleotide variant.
Coding change: c.812G>T on transcript NM_003919.3 (MANE Select); coding-DNA position 812, G replaced by T.
Protein change: p.Cys271Phe; replaces cysteine 271 with phenylalanine.
Molecular consequence: missense variant.
Genome position (GRCh38, 1-based): chr7:94,603,303, C>A on the plus strand (G>T on the coding strand, the complement: SGCE is on the minus strand). VCF-style: chr7-94603303-C-A. GRCh37 (hg19) VCF-style: chr7-94232615-C-A.
Other names: c.812G>T, p.Cys271Phe (NM_001099400.2, NM_001099401.2, NM_001346717.2); c.689G>T, p.Cys230Phe (NM_001301139.2, NM_001362809.2); c.920G>T, p.Cys307Phe (NM_001346713.2, NM_001346715.2); c.725G>T, p.Cys242Phe (NM_001346719.2, NM_001362807.2); c.539G>T, p.Cys180Phe (NM_001346720.2, NM_001362808.2); short protein forms C180F, C230F, C242F, C271F, C307F.
Identifiers: ClinVar variation 3774845 (VCV003774845.1).
Genomic context (GRCh38, chr7:94,603,303, plus strand): 5'-GCCACATTATTTTTAACTAAACTTGCAAAAACAAAATAAAAACTTACCAATGAAATTTTG[C>A]ACCAGTCAATGTAAAATTGAGTACGAAATTTTTTATCACATGTTATTACAGGCTCCATTT-3'
Protein context (NP_003910.1, residues 261-281): KFRTQFYIDW[Cys271Phe]KISLVDKTKQ

ClinVar aggregate classification (germline): Uncertain significance (1 of 4 stars; one submission).

Submission:

GeneDx
Classification: Uncertain significance. Last evaluated: 2024-09-26. Review status: criteria provided, single submitter. Criteria: GeneDx Variant Classification Process June 2021. Collection method: clinical testing. Allele origin: germline. Affected: yes.
Comment: Not observed at significant frequency in large population cohorts (gnomAD); In silico analysis supports that this missense variant has a deleterious effect on protein structure/function; This variant is associated with the following publications: (PMID: Rachad2018[article])